The following is an entry in ClinVar:

NM_001008537.3(NEXMIF):c.4303A>G (p.Ser1435Gly)

Gene: NEXMIF (neurite extension and migration factor; minus strand). Cytogenetic location: Xq13.3.
Variant type: single nucleotide variant.
Coding change: c.4303A>G on transcript NM_001008537.3 (MANE Select); coding-DNA position 4303, A replaced by G.
Protein change: p.Ser1435Gly; replaces serine 1435 with glycine.
Molecular consequence: missense variant.
Genome position (GRCh38, 1-based): chrX:74,740,254, T>C on the plus strand (A>G on the coding strand, the complement: NEXMIF is on the minus strand). VCF-style: chrX-74740254-T-C. GRCh37 (hg19) VCF-style: chrX-73960089-T-C.
Other names: short protein forms S1435G.
Identifiers: ClinVar variation 1918016 (VCV001918016.5), dbSNP rs2519911032, ClinGen allele CA413663578.
Genomic context (GRCh38, chrX:74,740,254, plus strand): 5'-TGGAGCTGGATTTGTGACGATACAACTTTTTGTGTGTCGGTCCGTTATTGCCTAAAGTGC[T>C]CATGTTACTATACTTTTTATCAAAGAAGGTAGAGCGAGAGTCCTCGTTATAACCAGGCAT-3'
Protein context (NP_001008537.1, residues 1425-1445): TFFDKKYSNM[Ser1435Gly]TLGNNGPTHK

ClinVar aggregate classification (germline): Uncertain significance (1 of 4 stars; one submission).

Allele frequency attached by ClinVar (database versions not stated): gnomAD exomes below 0.00001.
gnomAD v4.1: 2 of 1,211,637 alleles (0.00017%); highest among the groups gnomAD compares: Non-Finnish European, 0.00022%; no homozygotes.

Submission:

Labcorp Genetics (formerly Invitae), Labcorp
Classification: Uncertain significance. Last evaluated: 2022-10-12. Review status: criteria provided, single submitter. Criteria: Invitae Variant Classification Sherloc (09022015). Collection method: clinical testing. Allele origin: germline.
Comment: Algorithms developed to predict the effect of missense changes on protein structure and function are either unavailable or do not agree on the potential impact of this missense change (SIFT: "Deleterious"; PolyPhen-2: "Benign"; Align-GVGD: "Class C0"). This sequence change replaces serine, which is neutral and polar, with glycine, which is neutral and non-polar, at codon 1435 of the NEXMIF protein (p.Ser1435Gly). This variant is not present in population databases (gnomAD no frequency). This variant has not been reported in the literature in individuals affected with NEXMIF-related conditions. In summary, the available evidence is currently insufficient to determine the role of this variant in disease. Therefore, it has been classified as a Variant of Uncertain Significance.